The following is an entry in ClinVar:

NM_024408.4(NOTCH2):c.6878A>C (p.His2293Pro)

Gene: NOTCH2 (notch receptor 2; minus strand). Cytogenetic location: 1p12.
Variant type: single nucleotide variant.
Coding change: c.6878A>C on transcript NM_024408.4 (MANE Select); coding-DNA position 6878, A replaced by C.
Protein change: p.His2293Pro; replaces histidine 2293 with proline.
Molecular consequence: missense variant.
Genome position (GRCh38, 1-based): chr1:119,915,844, T>G on the plus strand (A>C on the coding strand, the complement: NOTCH2 is on the minus strand). VCF-style: chr1-119915844-T-G. GRCh37 (hg19) VCF-style: chr1-120458467-T-G.
Other names: c.6878A>C (NM_024408.3); short protein forms H2293P.
Identifiers: ClinVar variation 1440665 (VCV001440665.9), dbSNP rs780904023, ClinGen allele CA1039362.

ClinVar aggregate classification (germline): Uncertain significance. Review status: criteria provided, multiple submitters, no conflicts (2 of 4 stars). 3 submissions from 3 submitters: Uncertain significance (2). 1 of the submissions does not count toward it. Last evaluated 2025-04-17.

Conditions:
Hajdu-Cheney syndrome (HJCYS). Also called: ACROOSTEOLYSIS WITH OSTEOPOROSIS AND CHANGES IN SKULL AND MANDIBLE; SERPENTINE FIBULA-POLYCYSTIC KIDNEY SYNDROME; Acroosteolysis dominant type. Identifiers: Orphanet 955, MedGen C0917715, MONDO:0007057, OMIM 102500.
Alagille syndrome due to a NOTCH2 point mutation. Also called: Alagille syndrome 2. Identifiers: Orphanet 261629, Orphanet 52, MedGen C1857761, MONDO:0012439, OMIM 610205.
NOTCH2-related disorder. Also called: NOTCH2-related condition.

Allele frequency attached by ClinVar (database versions not stated): gnomAD exomes 0.00001 and 0.00002; TOPMed 0.00003; gnomAD 0.00002; ExAC 0.00002.
gnomAD v4.1: 9 of 1,614,058 alleles (0.00056%); highest among the groups gnomAD compares: Admixed American, 0.012%; no homozygotes.

Submissions (3):

Labcorp Genetics (formerly Invitae), Labcorp
Classification: Uncertain significance for Hajdu-Cheney syndrome. Last evaluated: 2025-04-17. Review status: criteria provided, single submitter. Criteria: Invitae Variant Classification Sherloc (09022015). Collection method: clinical testing. Allele origin: germline.
Comment: This sequence change replaces histidine, which is basic and polar, with proline, which is neutral and non-polar, at codon 2293 of the NOTCH2 protein (p.His2293Pro). This variant is present in population databases (rs780904023, gnomAD 0.01%). This variant has not been reported in the literature in individuals affected with NOTCH2-related conditions. ClinVar contains an entry for this variant (Variation ID: 1440665). Invitae Evidence Modeling of protein sequence and biophysical properties (such as structural, functional, and spatial information, amino acid conservation, physicochemical variation, residue mobility, and thermodynamic stability) indicates that this missense variant is not expected to disrupt NOTCH2 protein function with a negative predictive value of 80%. In summary, the available evidence is currently insufficient to determine the role of this variant in disease. Therefore, it has been classified as a Variant of Uncertain Significance.

Fulgent Genetics
Classification: Uncertain significance for Hajdu-Cheney syndrome; Alagille syndrome due to a NOTCH2 point mutation. Last evaluated: 2021-12-23. Review status: criteria provided, single submitter. Criteria: ACMG Guidelines, 2015. Collection method: clinical testing. Allele origin: unknown.

PreventionGenetics, part of Exact Sciences
Classification: Uncertain significance for NOTCH2-related condition. Last evaluated: 2024-02-19. Review status: no assertion criteria provided. Collection method: clinical testing. Allele origin: germline. Not counted in ClinVar's aggregate classification.
Comment: The NOTCH2 c.6878A>C variant is predicted to result in the amino acid substitution p.His2293Pro. To our knowledge, this variant has not been reported in the literature. This variant is reported in 0.014% of alleles in individuals of Latino descent in gnomAD. At this time, the clinical significance of this variant is uncertain due to the absence of conclusive functional and genetic evidence.